The following is an entry in ClinVar:

NM_015338.6(ASXL1):c.346G>A (p.Ala116Thr)

Gene: ASXL1 (ASXL transcriptional regulator 1; plus strand). Cytogenetic location: 20q11.21.
Variant type: single nucleotide variant.
Coding change: c.346G>A on transcript NM_015338.6 (MANE Select); coding-DNA position 346, G replaced by A.
Protein change: p.Ala116Thr; replaces alanine 116 with threonine.
Molecular consequence: missense variant.
Genome position (GRCh38, 1-based): chr20:32,428,221, G>A. VCF-style: chr20-32428221-G-A. GRCh37 (hg19) VCF-style: chr20-31016024-G-A.
Other names: c.316G>A, p.Ala106Thr (NM_001363734.1); short protein forms A106T, A116T.
Identifiers: ClinVar variation 4827425 (VCV004827425.1).

ClinVar aggregate classification (germline): Uncertain significance (1 of 4 stars; one submission).

Conditions:
Inborn genetic diseases. Identifiers: MedGen C0950123, MeSH D030342.

gnomAD v4.1: 2 of 1,614,200 alleles (0.00012%); highest among the groups gnomAD compares: Admixed American, 0.0017%; no homozygotes.

Submission:

Ambry Genetics
Classification: Uncertain significance for Inborn genetic diseases. Last evaluated: 2026-03-09. Review status: criteria provided, single submitter. Criteria: Ambry Variant Classification Scheme 2023. Collection method: clinical testing. Allele origin: germline.
Comment: The p.A116T variant (also known as c.346G>A), located in coding exon 5 of the ASXL1 gene, results from a G to A substitution at nucleotide position 346. The alanine at codon 116 is replaced by threonine, an amino acid with similar properties. This amino acid position is conserved. In addition, this alteration is predicted to be tolerated by in silico analysis. Based on the available evidence, the clinical significance of this variant remains unclear.